The following is an entry in ClinVar:

NM_198060.4(NRAP):c.3109C>T (p.Arg1037Ter)

Gene: NRAP (nebulin related anchoring protein; minus strand). Cytogenetic location: 10q25.3.
Variant type: single nucleotide variant.
Coding change: c.3109C>T on transcript NM_198060.4 (MANE Select); coding-DNA position 3109, C replaced by T.
Protein change: p.Arg1037Ter; replaces arginine 1037 with a stop codon.
Molecular consequence: nonsense.
Genome position (GRCh38, 1-based): chr10:113,614,916, G>A on the plus strand (C>T on the coding strand, the complement: NRAP is on the minus strand). VCF-style: chr10-113614916-G-A. GRCh37 (hg19) VCF-style: chr10-115374675-G-A.
Other names: c.3109C>T, p.Arg1037Ter (NM_001261463.2); c.3001C>T, p.Arg1001Ter (NM_001322945.2); c.3004C>T, p.Arg1002Ter (NM_006175.5); short protein forms R1001*, R1002*, R1037*.
Identifiers: ClinVar variation 2579962 (VCV002579962.4), dbSNP rs868110215, ClinGen allele CA214466270.

ClinVar aggregate classification (germline): Pathogenic/Likely pathogenic. Review status: criteria provided, multiple submitters, no conflicts (2 of 4 stars). 3 submissions from 3 submitters: Pathogenic (1); Likely pathogenic (1). 1 of the submissions does not count toward it. Last evaluated 2023-09-05.

Conditions:
CARDIOMYOPATHY, DILATED, 2N (CMD2N). Identifiers: MedGen CN381645, OMIM 621595.
NRAP-related disorder. Also called: NRAP-related condition.

Allele frequency attached by ClinVar (database versions not stated): gnomAD exomes below 0.00001; gnomAD 0.00001; TOPMed 0.00001.
gnomAD v4.1: 9 of 1,611,676 alleles (0.00056%); highest among the groups gnomAD compares: African/African-American, 0.0027%; no homozygotes.

Submissions (3):

GeneDx
Classification: Pathogenic. Last evaluated: 2023-09-05. Review status: criteria provided, single submitter. Criteria: GeneDx Variant Classification Process June 2021. Collection method: clinical testing. Allele origin: germline.
Comment: Nonsense variant predicted to result in protein truncation or nonsense mediated decay in a gene for which loss-of-function is a known mechanism of disease; Not observed at significant frequency in large population cohorts (gnomAD); This variant is associated with the following publications: (PMID: 33534821)

Blueprint Genetics
Classification: Likely pathogenic for NRAP-related disorders. Last evaluated: 2019-12-16. Review status: criteria provided, single submitter. Criteria: ACMG Guidelines, 2015. Collection method: clinical testing. Allele origin: germline. Affected: yes. Observed: 1 variant allele.

OMIM
Classification: Pathogenic for CARDIOMYOPATHY, DILATED, 2N. Last evaluated: 2026-05-18. Review status: no assertion criteria provided. Collection method: literature only. Allele origin: germline. Not counted in ClinVar's aggregate classification.

Literature cited by the submitters: PubMed 33534821 (cited by OMIM); PubMed 41033658 (cited by OMIM).